The following is an entry in ClinVar:

NM_001127222.2(CACNA1A):c.784+313C>T

Gene: CACNA1A (calcium voltage-gated channel subunit alpha1 A; minus strand). Cytogenetic location: 19p13.13.
Variant type: single nucleotide variant.
Coding change: c.784+313C>T on transcript NM_001127222.2 (MANE Select); 313 bases into the intron after coding-DNA position 784, C replaced by T.
Molecular consequence: intron variant.
Genome position (GRCh38, 1-based): chr19:13,365,004, G>A on the plus strand (C>T on the coding strand, the complement: CACNA1A is on the minus strand). VCF-style: chr19-13365004-G-A. GRCh37 (hg19) VCF-style: chr19-13475818-G-A.
Other names: c.784+313C>T (NM_001127221.2, NM_001174080.2, NM_000068.4 and 1 more transcripts).
Identifiers: ClinVar variation 668800 (VCV000668800.2), dbSNP rs57087220, ClinGen allele CA16568572.

ClinVar aggregate classification (germline): Benign. Review status: criteria provided, multiple submitters, no conflicts (2 of 4 stars). 2 submissions from 2 submitters: Benign (2). Last evaluated 2018-06-19.

Allele frequency attached by ClinVar (database versions not stated): gnomAD exomes 0.05811; gnomAD 0.11279 and 0.11469; TOPMed 0.12309; 1000 Genomes Project 0.18750; 1000 Genomes Project 30x 0.19113.
gnomAD v4.1: 18,957 of 180,278 alleles (11%); highest among the groups gnomAD compares: African/African-American, 27%; 1,944 homozygotes.

Submissions (2):

GeneDx
Classification: Benign. Last evaluated: 2018-06-19. Review status: criteria provided, single submitter. Criteria: GeneDx Variant Classification (06012015). Collection method: clinical testing. Allele origin: germline. Affected: yes.
Comment: This variant is considered likely benign or benign based on one or more of the following criteria: it is a conservative change, it occurs at a poorly conserved position in the protein, it is predicted to be benign by multiple in silico algorithms, and/or has population frequency not consistent with disease.

Breakthrough Genomics
Classification: Benign. Review status: criteria provided, single submitter. Criteria: ACMG Guidelines, 2015. Collection method: not provided. Allele origin: germline. Inheritance: Autosomal dominant inheritance. Affected: yes.